The following is an entry in ClinVar:

NM_021975.4(RELA):c.918T>A (p.Tyr306Ter)

Gene: RELA (RELA proto-oncogene, NF-kB subunit; minus strand). Cytogenetic location: 11q13.1.
Variant type: single nucleotide variant.
Coding change: c.918T>A on transcript NM_021975.4 (MANE Select); coding-DNA position 918, T replaced by A.
Protein change: p.Tyr306Ter; replaces tyrosine 306 with a stop codon.
Molecular consequence: nonsense.
Genome position (GRCh38, 1-based): chr11:65,655,895, A>T on the plus strand (T>A on the coding strand, the complement: RELA is on the minus strand). VCF-style: chr11-65655895-A-T. GRCh37 (hg19) VCF-style: chr11-65423366-A-T.
Other names: c.909T>A, p.Tyr303Ter (NM_001145138.2); c.918T>A, p.Tyr306Ter (NM_001243984.2, NM_001243985.2); c.951T>A, p.Tyr317Ter (NM_001404657.1); c.891T>A, p.Tyr297Ter (NM_001404658.1); c.705T>A, p.Tyr235Ter (NM_001404659.1); c.600T>A, p.Tyr200Ter (NM_001404660.1); c.537T>A, p.Tyr179Ter (NM_001404661.1); c.825T>A, p.Tyr275Ter (NM_001404662.1, NM_001404663.1); short protein forms Y179*, Y200*, Y235*, Y275*, Y297*, Y303*, Y306*, Y317*.
Identifiers: ClinVar variation 4857325 (VCV004857325.1).

ClinVar aggregate classification (germline): Pathogenic (1 of 4 stars; one submission).

Conditions:
Primary immunodeficiency or monogenic inflammatory bowel disease.

Submission:

North West Genomic Laboratory Hub, Manchester University NHS Foundation Trust
Classification: Pathogenic for Primary immunodeficiency or monogenic inflammatory bowel disease. Last evaluated: 2026-06-15. Review status: criteria provided, single submitter. Criteria: ACGS Best Practice Guidelines for Variant Classification in Rare Disease 2024. Collection method: clinical testing. Allele origin: germline. Affected: yes.
Comment: PVS1_VStr PM2_Mod